The following is an entry in ClinVar:

NM_001378183.1(PIEZO2):c.7479T>C (p.Cys2493=)

Gene: PIEZO2 (piezo type mechanosensitive ion channel component 2; minus strand). Cytogenetic location: 18p11.22.
Variant type: single nucleotide variant.
Coding change: c.7479T>C on transcript NM_001378183.1 (MANE Select); coding-DNA position 7479, T replaced by C.
Protein change: p.Cys2493=; no amino-acid change (cysteine 2493 retained).
Molecular consequence: synonymous variant.
Genome position (GRCh38, 1-based): chr18:10,689,673, A>G on the plus strand (T>C on the coding strand, the complement: PIEZO2 is on the minus strand). VCF-style: chr18-10689673-A-G. GRCh37 (hg19) VCF-style: chr18-10689671-A-G.
Other names: c.7215T>C, p.Cys2405= (NM_001410871.1); c.7140T>C, p.Cys2380= (NM_022068.4).
Identifiers: ClinVar variation 4753430 (VCV004753430.3).
Genomic context (GRCh38, chr18:10,689,673, plus strand): 5'-AGAGAAGCAGACAGGAATAAGGCACATCTCCTGGCTTCTTACCTTCTCCGACTCCCGCCA[A>G]CACTTCAGGATGAATATGTGAGCATAGATGTCCTCCACACAGATCCAGCTGGACAGGCTC-3'
Protein context (NP_001365112.1, residues 2483-2503): DIYAHIFILK[Cys2493=]WRESEKRYPQ

ClinVar aggregate classification (germline): Likely benign. Review status: criteria provided, multiple submitters, no conflicts (2 of 4 stars). 2 submissions from 2 submitters: Likely benign (2). Last evaluated 2026-06-01.

gnomAD v4.1: 76 of 1,614,114 alleles (0.0047%); highest among the groups gnomAD compares: East Asian, 0.058%; no homozygotes.

Submissions (2):

CeGaT Center for Human Genetics Tuebingen
Classification: Likely benign. Last evaluated: 2026-06-01. Review status: criteria provided, single submitter. Criteria: CeGaT Center For Human Genetics Tuebingen Variant Classification Criteria Version 2. Collection method: clinical testing. Allele origin: germline. Affected: yes. Observed: 1 variant allele.
Comment: PIEZO2: BP4, BP7

Labcorp Genetics (formerly Invitae), Labcorp
Classification: Likely benign. Last evaluated: 2026-01-19. Review status: criteria provided, single submitter. Criteria: Invitae Variant Classification Sherloc (09022015). Collection method: clinical testing. Allele origin: germline.